The following continues an entry in ClinVar:

NM_000256.3(MYBPC3):c.927-9G>A

Gene: MYBPC3. ClinVar aggregate classification (germline): Pathogenic/Likely pathogenic. Pathogenic (21); Likely pathogenic (1).

Submissions 19 to 23 of 23:

Human Genome Sequencing Center Clinical Lab, Baylor College of Medicine
Classification: Pathogenic for Hypertrophic cardiomyopathy 4. Last evaluated: 2017-08-21. Review status: criteria provided, single submitter. Criteria: ACMG Guidelines, 2015. Collection method: clinical testing. Allele origin: germline.
Comment: This variant has been previously as disease-causing (PMID: 21488308, 24113344, 23549607; 26914223). Studies characterizing the effect of the c.927-9G>A variant on MYBPC3 function have shown splicing at exon 11 is absent and protein levels are reduced (PMID: 25031304). Therefore, this variant is classified as a pathogenic variant in accordance with ACMG guidelines.

Fulgent Genetics
Classification: Pathogenic for Hypertrophic cardiomyopathy 4; Left ventricular noncompaction 10. Last evaluated: 2017-05-18. Review status: criteria provided, single submitter. Criteria: ACMG Guidelines, 2015. Collection method: clinical testing. Allele origin: unknown.

Blueprint Genetics
Classification: Pathogenic for Primary familial hypertrophic cardiomyopathy. Last evaluated: 2015-12-07. Review status: criteria provided, single submitter. Criteria: Variant Classification. Collection method: clinical testing. Allele origin: germline. Affected: yes. Observed: 4 variant alleles.

Stanford Center for Inherited Cardiovascular Disease, Stanford University
Classification: Likely pathogenic. Last evaluated: 2013-04-05. Review status: criteria provided, single submitter. Criteria: ACMG Guidelines, 2015. Collection method: provider interpretation. Allele origin: germline.

Clinical Molecular Genetics Laboratory, Johns Hopkins All Children's Hospital
Classification: Pathogenic for Hypertrophic cardiomyopathy. Last evaluated: 2016-05-19. Review status: no assertion criteria provided. Collection method: clinical testing. Allele origin: germline. Affected: yes. Not counted in ClinVar's aggregate classification.

Literature cited by the submitters: PubMed 32841044 (cited by Victorian Clinical Genetics Services, Murdoch Childrens Research Institute); PubMed 23549607 (cited by 4 submitters); PubMed 24113344 (cited by 7 submitters); PubMed 24810389 (cited by Labcorp Genetics (formerly Invitae), Labcorp); PubMed 26914223 (cited by 4 submitters); PubMed 28615295 (cited by 4 submitters); PubMed 29030401 (cited by 4 submitters); PubMed 29121657 (cited by 3 submitters); PubMed 17576681 (cited by Labcorp Genetics (formerly Invitae), Labcorp); PubMed 9536098 (cited by Labcorp Genetics (formerly Invitae), Labcorp); PubMed 25031304 (cited by 5 submitters); PubMed 28408708 (cited by 3 submitters); PubMed 20433692 (cited by 6 submitters); PubMed 21488308 (cited by 3billion and All of Us Research Program, National Institutes of Health); PubMed 28790153 (cited by 3 submitters); PubMed 33658374 (cited by 3 submitters); PubMed 30550750 (cited by All of Us Research Program, National Institutes of Health and Laboratory for Molecular Medicine, Mass General Brigham Personalized Medicine); PubMed 30645170 (cited by All of Us Research Program, National Institutes of Health and Color Diagnostics, LLC DBA Color Health); PubMed 31737537 (cited by All of Us Research Program, National Institutes of Health and Laboratory for Molecular Medicine, Mass General Brigham Personalized Medicine); PubMed 35508642 (cited by All of Us Research Program, National Institutes of Health and Color Diagnostics, LLC DBA Color Health); PubMed 37821546 (cited by Color Diagnostics, LLC DBA Color Health); PubMed 21488307 (cited by Laboratory for Molecular Medicine, Mass General Brigham Personalized Medicine); PubMed 27834932 (cited by Laboratory for Molecular Medicine, Mass General Brigham Personalized Medicine); PubMed 28679633 (cited by Laboratory for Molecular Medicine, Mass General Brigham Personalized Medicine); PubMed 21415409 (cited by Women's Health and Genetics/Laboratory Corporation of America, LabCorp).